The following is an entry in ClinVar:

NM_005461.5(MAFB):c.493C>T (p.His165Tyr)

Gene: MAFB (MAF bZIP transcription factor B; minus strand). Cytogenetic location: 20q12.
Variant type: single nucleotide variant.
Coding change: c.493C>T on transcript NM_005461.5 (MANE Select); coding-DNA position 493, C replaced by T.
Protein change: p.His165Tyr; replaces histidine 165 with tyrosine.
Molecular consequence: missense variant.
Genome position (GRCh38, 1-based): chr20:40,688,358, G>A on the plus strand (C>T on the coding strand, the complement: MAFB is on the minus strand). VCF-style: chr20-40688358-G-A. GRCh37 (hg19) VCF-style: chr20-39316998-G-A.
Other names: c.493C>T (NM_005461.3); short protein forms H165Y.
Identifiers: ClinVar variation 2985542 (VCV002985542.4), dbSNP rs1482038344, ClinGen allele CA408941025.

ClinVar aggregate classification (germline): Uncertain significance. Review status: criteria provided, multiple submitters, no conflicts (2 of 4 stars). 2 submissions from 2 submitters: Uncertain significance (2). Last evaluated 2025-04-13.

Conditions:
Inborn genetic diseases. Identifiers: MedGen C0950123, MeSH D030342.

Allele frequency attached by ClinVar (database versions not stated): gnomAD 0.00001.

Submissions (2):

Ambry Genetics
Classification: Uncertain significance for Inborn genetic diseases. Last evaluated: 2025-04-13. Review status: criteria provided, single submitter. Criteria: Ambry Variant Classification Scheme 2023. Collection method: clinical testing. Allele origin: germline.

Labcorp Genetics (formerly Invitae), Labcorp
Classification: Uncertain significance. Last evaluated: 2022-11-11. Review status: criteria provided, single submitter. Criteria: Invitae Variant Classification Sherloc (09022015). Collection method: clinical testing. Allele origin: germline.
Comment: Advanced modeling of protein sequence and biophysical properties (such as structural, functional, and spatial information, amino acid conservation, physicochemical variation, residue mobility, and thermodynamic stability) performed at Invitae indicates that this missense variant is not expected to disrupt MAFB protein function. In summary, the available evidence is currently insufficient to determine the role of this variant in disease. Therefore, it has been classified as a Variant of Uncertain Significance. This sequence change replaces histidine, which is basic and polar, with tyrosine, which is neutral and polar, at codon 165 of the MAFB protein (p.His165Tyr). This variant is present in population databases (no rsID available, gnomAD 0.007%). This variant has not been reported in the literature in individuals affected with MAFB-related conditions.